The following is an entry in ClinVar:

NM_000218.3(KCNQ1):c.1514+18035T>A

Genes: KCNQ1 (potassium voltage-gated channel subfamily Q member 1; plus strand), KCNQ1OT1 (KCNQ1 opposite strand/antisense transcript 1; minus strand). Cytogenetic location: 11p15.5.
Variant type: single nucleotide variant.
Coding change: c.1514+18035T>A on transcript NM_000218.3 (MANE Select); 18035 bases into the intron after coding-DNA position 1514, T replaced by A.
Molecular consequence: intron variant. On other transcripts: non-coding transcript variant (1).
Genome position (GRCh38, 1-based): chr11:2,680,116, T>A. VCF-style: chr11-2680116-T-A. GRCh37 (hg19) VCF-style: chr11-2701346-T-A.
Other names: c.1244+18035T>A (NM_001406837.1); c.1418+18035T>A (NM_001406836.1); c.974+18035T>A (NM_001406838.1); c.1133+18035T>A (NM_181798.2).
Identifiers: ClinVar variation 4874450 (VCV004874450.2).

ClinVar aggregate classification (germline): Benign (1 of 4 stars; one submission).

gnomAD v4.1: 59 of 393,484 alleles (0.015%); highest among the groups gnomAD compares: African/African-American, 0.12%; no homozygotes.

Submission:

CeGaT Center for Human Genetics Tuebingen
Classification: Benign. Last evaluated: 2026-06-01. Review status: criteria provided, single submitter. Criteria: CeGaT Center For Human Genetics Tuebingen Variant Classification Criteria Version 2. Collection method: clinical testing. Allele origin: germline. Affected: yes. Observed: 1 variant allele.
Comment: KCNQ1OT1: BS1, BS2